The following is an entry in ClinVar:

NM_001164508.2(NEB):c.4198G>A (p.Ala1400Thr)

Gene: NEB (nebulin; minus strand). Cytogenetic location: 2q23.3.
Variant type: single nucleotide variant.
Coding change: c.4198G>A on transcript NM_001164508.2 (MANE Select); coding-DNA position 4198, G replaced by A.
Protein change: p.Ala1400Thr; replaces alanine 1400 with threonine.
Molecular consequence: missense variant.
Genome position (GRCh38, 1-based): chr2:151,672,470, C>T on the plus strand (G>A on the coding strand, the complement: NEB is on the minus strand). VCF-style: chr2-151672470-C-T. GRCh37 (hg19) VCF-style: chr2-152528984-C-T.
Other names: c.4198G>A, p.Ala1400Thr (NM_001164507.2, NM_001271208.2, NM_004543.5); short protein forms A1400T.
Identifiers: ClinVar variation 225110 (VCV000225110.29), dbSNP rs113174390, ClinGen allele CA358031.

ClinVar aggregate classification (germline): Conflicting classifications of pathogenicity. Review status: criteria provided, conflicting classifications (1 of 4 stars). 8 submissions from 8 submitters: Uncertain significance (5); Benign (1); Likely benign (1). 1 of the submissions does not count toward it. Last evaluated 2026-08-06.

Conditions:
NEB-related disorder. Also called: NEB-related condition; NEB-Related Disorders.
Inborn genetic diseases. Identifiers: MedGen C0950123, MeSH D030342.
Nemaline myopathy 2 (NEM2). Also called: Nemaline myopathy 2, autosomal recessive. Identifiers: MedGen C1850569, MONDO:0009725, OMIM 256030.

Allele frequency attached by ClinVar (database versions not stated): 1000 Genomes Project 30x 0.00016; ExAC 0.00019; gnomAD exomes 0.00019; 1000 Genomes Project 0.00020; gnomAD 0.00047 and 0.00048; ESP Exome Variant Server 0.00056; TOPMed 0.00060.
gnomAD v4.1: 232 of 1,613,970 alleles (0.014%); highest among the groups gnomAD compares: African/African-American, 0.15%; no homozygotes.

Submissions (8):

PreventionGenetics, part of Exact Sciences
Classification: Uncertain significance for NEB-related condition. Last evaluated: 2026-08-06. Review status: criteria provided, single submitter. Criteria: ACMG Guidelines, 2015. Collection method: clinical testing. Allele origin: germline.
Comment: The NEB c.4198G>A variant is predicted to result in the amino acid substitution p.Ala1400Thr. To our knowledge, this variant has not been reported in the literature. This variant is reported in 0.13% of alleles in individuals of African descent in gnomAD. Although we suspect that this variant may be benign, at this time, the clinical significance of this variant is uncertain due to the absence of conclusive functional and genetic evidence.

Labcorp Genetics (formerly Invitae), Labcorp
Classification: Benign for Nemaline myopathy 2. Last evaluated: 2026-01-09. Review status: criteria provided, single submitter. Criteria: Invitae Variant Classification Sherloc (09022015). Collection method: clinical testing. Allele origin: germline.

GeneDx
Classification: Uncertain significance. Last evaluated: 2025-05-28. Review status: criteria provided, single submitter. Criteria: GeneDx Variant Classification Process June 2021. Collection method: clinical testing. Allele origin: germline. Affected: yes.
Comment: In silico analysis suggests that this missense variant does not alter protein structure/function; Has not been previously published as pathogenic or benign to our knowledge

Women's Health and Genetics/Laboratory Corporation of America, LabCorp
Classification: Uncertain significance. Last evaluated: 2024-10-11. Review status: criteria provided, single submitter. Criteria: LabCorp Variant Classification Summary - May 2015. Collection method: clinical testing. Allele origin: germline.
Comment: Variant summary: NEB c.4198G>A (p.Ala1400Thr) results in a non-conservative amino acid change in the encoded protein sequence. Three of four in-silico tools predict a benign effect of the variant on protein function. The variant allele was found at a frequency of 0.00019 in 249228 control chromosomes, predominantly at a frequency of 0.0014 within the African or African-American subpopulation in the gnomAD database. This frequency is not significantly higher than estimated for a pathogenic variant in NEB causing Nemaline Myopathy 2 (0.00019 vs 0.0035), allowing no conclusion about variant significance. To our knowledge, no occurrence of c.4198G>A in individuals affected with Nemaline Myopathy 2 and no experimental evidence demonstrating its impact on protein function have been reported. ClinVar contains an entry for this variant (Variation ID: 225110). Based on the evidence outlined above, the variant was classified as uncertain significance.

Illumina Laboratory Services, Illumina
Classification: Uncertain significance for Nemaline myopathy 2. Last evaluated: 2018-01-12. Review status: criteria provided, single submitter. Criteria: ICSL Variant Classification Criteria 13 December 2019. Collection method: clinical testing. Allele origin: germline.

Eurofins Ntd Llc (ga)
Classification: Uncertain significance. Last evaluated: 2016-08-23. Review status: criteria provided, single submitter. Criteria: EGL Classification Definitions 2015. Collection method: clinical testing. Allele origin: germline. Observed: 1 variant allele, 1 heterozygote.

Ambry Genetics
Classification: Likely benign for Inborn genetic diseases. Last evaluated: 2013-12-03. Review status: criteria provided, single submitter. Criteria: Ambry Autosomal Dominant and X-Linked criteria (10/2015). Collection method: clinical testing. Allele origin: germline. Observed: 1 variant allele.

Natera, Inc.
Classification: Likely benign for Nemaline myopathy type 2. Last evaluated: 2019-11-11. Review status: no assertion criteria provided. Collection method: clinical testing. Allele origin: germline. Not counted in ClinVar's aggregate classification.